The following is an entry in ClinVar:

NM_006939.4(SOS2):c.584G>C (p.Gly195Ala)

Gene: SOS2 (SOS Ras/Rho guanine nucleotide exchange factor 2; minus strand). Cytogenetic location: 14q21.3.
Variant type: single nucleotide variant.
Coding change: c.584G>C on transcript NM_006939.4 (MANE Select); coding-DNA position 584, G replaced by C.
Protein change: p.Gly195Ala; replaces glycine 195 with alanine.
Molecular consequence: missense variant.
Genome position (GRCh38, 1-based): chr14:50,188,627, C>G on the plus strand (G>C on the coding strand, the complement: SOS2 is on the minus strand). VCF-style: chr14-50188627-C-G. GRCh37 (hg19) VCF-style: chr14-50655345-C-G.
Other names: short protein forms G195A.
Identifiers: ClinVar variation 981589 (VCV000981589.7), dbSNP rs1595007024, ClinGen allele CA389648214.

ClinVar aggregate classification (germline): Uncertain significance. Review status: criteria provided, multiple submitters, no conflicts (2 of 4 stars). 3 submissions from 3 submitters: Uncertain significance (2). 1 of the submissions does not count toward it. Last evaluated 2022-09-03.

Conditions:
Noonan syndrome 9 (NS9). Identifiers: Orphanet 648, MedGen C4225282, MONDO:0014691, OMIM 616559.
Noonan syndrome (NS). Also called: Noonan's syndrome. Identifiers: Orphanet 648, MedGen C0028326, MeSH D009634, MONDO:0018997. Disease mechanism: gain of function.

Allele frequency attached by ClinVar (database versions not stated): gnomAD exomes below 0.00001.
gnomAD v4.1: 4 of 1,609,912 alleles (0.00025%); highest among the groups gnomAD compares: Non-Finnish European, 0.00034%; no homozygotes.

Submissions (3):

Labcorp Genetics (formerly Invitae), Labcorp
Classification: Uncertain significance for Noonan syndrome 9. Last evaluated: 2022-09-03. Review status: criteria provided, single submitter. Criteria: Invitae Variant Classification Sherloc (09022015). Collection method: clinical testing. Allele origin: germline.
Comment: This sequence change replaces glycine, which is neutral and non-polar, with alanine, which is neutral and non-polar, at codon 195 of the SOS2 protein (p.Gly195Ala). This variant is not present in population databases (gnomAD no frequency). This variant has not been reported in the literature in individuals affected with SOS2-related conditions. ClinVar contains an entry for this variant (Variation ID: 981589). Algorithms developed to predict the effect of missense changes on protein structure and function (SIFT, PolyPhen-2, Align-GVGD) all suggest that this variant is likely to be tolerated. In summary, the available evidence is currently insufficient to determine the role of this variant in disease. Therefore, it has been classified as a Variant of Uncertain Significance.

GeneDx
Classification: Uncertain significance. Last evaluated: 2019-04-24. Review status: criteria provided, single submitter. Criteria: GeneDx Variant Classification Process June 2021. Collection method: clinical testing. Allele origin: germline. Affected: yes.
Comment: Not observed in large population cohorts (Lek et al., 2016); In silico analysis, which includes protein predictors and evolutionary conservation, supports that this variant does not alter protein structure/function; Has not been previously published as pathogenic or benign to our knowledge

Service de Génétique Moléculaire, Hôpital Robert Debré
Classification: Likely benign for Noonan syndrome. Review status: no assertion criteria provided. Collection method: clinical testing. Allele origin: maternal. Affected: no. Not counted in ClinVar's aggregate classification.